The following is an entry in ClinVar:

NM_003119.4(SPG7):c.1507A>G (p.Thr503Ala)

Gene: SPG7 (SPG7 matrix AAA peptidase subunit, paraplegin; plus strand). Cytogenetic location: 16q24.3.
Variant type: single nucleotide variant.
Coding change: c.1507A>G on transcript NM_003119.4 (MANE Select); coding-DNA position 1507, A replaced by G.
Protein change: p.Thr503Ala; replaces threonine 503 with alanine.
Molecular consequence: missense variant.
Genome position (GRCh38, 1-based): chr16:89,546,715, A>G. VCF-style: chr16-89546715-A-G. GRCh37 (hg19) VCF-style: chr16-89613123-A-G.
Other names: c.1507A>G, p.Thr503Ala (NM_001363850.1); short protein forms T503A.
Identifiers: ClinVar variation 130369 (VCV000130369.32), dbSNP rs2292954, ClinGen allele CA155287.

ClinVar aggregate classification (germline): Benign/Likely benign. Review status: criteria provided, multiple submitters, no conflicts (2 of 4 stars). 12 submissions from 12 submitters: Benign (10); Likely benign (1). 1 of the submissions does not count toward it. Last evaluated 2026-02-03.

Conditions:
Hereditary spastic paraplegia. Also called: Familial spastic paraparesis. Identifiers: Orphanet 685, MedGen C0037773, MONDO:0019064. Disease mechanism: loss of function.
Hereditary spastic paraplegia 7 (SPG7). Also called: Autosomal recessive spastic paraplegia type 7; SPG7-related neurologic disorder; SPASTIC PARAPLEGIA 7, AUTOSOMAL RECESSIVE, WITH OR WITHOUT CEREBELLAR ATAXIA; Spastic paraplegia 7; Hereditary spastic paraplegia Paraplegin type. Identifiers: Orphanet 99013, MedGen C1846564, MONDO:0011803, OMIM 607259.

Allele frequency attached by ClinVar (database versions not stated): 1000 Genomes Project 30x 0.10306; 1000 Genomes Project 0.10643; gnomAD 0.12849 and 0.12916; TOPMed 0.12895; ESP Exome Variant Server 0.14112; gnomAD exomes 0.14869 and 0.17905; ExAC 0.15071.
gnomAD v4.1: 281,308 of 1,612,768 alleles (17%); highest among the groups gnomAD compares: Non-Finnish European, 19%; 26,332 homozygotes.

Submissions (12):

Labcorp Genetics (formerly Invitae), Labcorp
Classification: Benign for Hereditary spastic paraplegia 7. Last evaluated: 2026-02-03. Review status: criteria provided, single submitter. Criteria: Invitae Variant Classification Sherloc (09022015). Collection method: clinical testing. Allele origin: germline.

Blueprint Genetics
Classification: Likely benign. Last evaluated: 2024-11-27. Review status: criteria provided, single submitter. Criteria: ACMG Guidelines, 2015. Collection method: clinical testing. Allele origin: germline.

Mayo Clinic Laboratories, Mayo Clinic
Classification: Benign. Last evaluated: 2022-10-27. Review status: criteria provided, single submitter. Criteria: ACMG Guidelines, 2015. Collection method: clinical testing. Allele origin: germline. Observed: 829 variant alleles.

Genome-Nilou Lab
Classification: Benign for Hereditary spastic paraplegia 7. Last evaluated: 2021-07-15. Review status: criteria provided, single submitter. Criteria: ACMG Guidelines, 2015. Collection method: clinical testing. Allele origin: germline. Affected: no.

Laboratory for Molecular Medicine, Mass General Brigham Personalized Medicine
Classification: Benign. Last evaluated: 2018-07-31. Review status: criteria provided, single submitter. Criteria: LMM Criteria. Collection method: clinical testing. Allele origin: germline. Observed: 3 variant alleles.
Comment: Allele frequency 14% of total chromosomes by gnomad.

Illumina Laboratory Services, Illumina
Classification: Benign for Hereditary spastic paraplegia 7. Last evaluated: 2018-01-12. Review status: criteria provided, single submitter. Criteria: ICSL Variant Classification Criteria 13 December 2019. Collection method: clinical testing. Allele origin: germline.
Comment: This variant was observed in the ICSL laboratory as part of a predisposition screen in an ostensibly healthy population. It had not been previously curated by ICSL or reported in the Human Gene Mutation Database (HGMD: prior to June 1st, 2018), and was therefore a candidate for classification through an automated scoring system. Utilizing variant allele frequency, disease prevalence and penetrance estimates, and inheritance mode, an automated score was calculated to assess if this variant is too frequent to cause the disease. Based on the score and internal cut-off values, a variant classified as benign is not then subjected to further curation. The score for this variant resulted in a classification of benign for this disease.

Athena Diagnostics
Classification: Benign for Hereditary spastic paraplegia 7. Last evaluated: 2017-04-14. Review status: criteria provided, single submitter. Criteria: Athena Diagnostics Criteria. Collection method: clinical testing. Allele origin: germline.

Genome Diagnostics Laboratory, The Hospital for Sick Children
Classification: Benign for Hereditary spastic paraplegia. Last evaluated: 2016-12-12. Review status: criteria provided, single submitter. Criteria: ACMG Guidelines, 2015. Collection method: clinical testing. Allele origin: germline. Affected: yes.

GeneDx
Classification: Benign. Last evaluated: 2015-03-03. Review status: criteria provided, single submitter. Criteria: GeneDx Variant Classification Process June 2021. Collection method: clinical testing. Allele origin: germline. Affected: yes.

Breakthrough Genomics
Classification: Benign. Review status: criteria provided, single submitter. Criteria: ACMG Guidelines, 2015. Collection method: not provided. Allele origin: germline. Inheritance: Autosomal recessive inheritance. Affected: yes.

PreventionGenetics, part of Exact Sciences
Classification: Benign. Review status: criteria provided, single submitter. Criteria: ACMG Guidelines, 2015. Collection method: clinical testing. Allele origin: germline.

Genetic Services Laboratory, University of Chicago
Classification: Likely benign for AllHighlyPenetrant. Review status: no assertion criteria provided. Collection method: clinical testing. Allele origin: germline. Inheritance: Autosomal recessive inheritance. Not counted in ClinVar's aggregate classification.
Comment: Likely benign based on allele frequency in 1000 Genomes Project or ESP global frequency and its presence in a patient with a rare or unrelated disease phenotype. NOT Sanger confirmed.